The following is an entry in ClinVar:

NM_000180.4(GUCY2D):c.1694T>C (p.Phe565Ser)

Gene: GUCY2D (guanylate cyclase 2D, retinal; plus strand). Cytogenetic location: 17p13.1.
Variant type: single nucleotide variant.
Coding change: c.1694T>C on transcript NM_000180.4 (MANE Select); coding-DNA position 1694, T replaced by C.
Protein change: p.Phe565Ser; replaces phenylalanine 565 with serine.
Molecular consequence: missense variant.
Genome position (GRCh38, 1-based): chr17:8,009,531, T>C. VCF-style: chr17-8009531-T-C. GRCh37 (hg19) VCF-style: chr17-7912849-T-C.
Other names: NM_000180.4(GUCY2D):c.1694T>C; short protein forms F565S.
Identifiers: ClinVar variation 9350 (VCV000009350.4), dbSNP rs61749755, ClinGen allele CA226054.
Genomic context (GRCh38, chr17:8,009,531, plus strand): 5'-GACTGAGTTCCCTACCCCCATCCTCTTTGCTGCAGGGAGACAGGGTTTGGCTGAAGAAAT[T>C]CCCAGGGGATCAGCACATAGCTATCCGCCCAGCAACCAAGACGGCCTTCTCCAAGGTGAG-3'
Protein context (NP_000171.1, residues 555-575): YEGDRVWLKK[Phe565Ser]PGDQHIAIRP

ClinVar aggregate classification (germline): Pathogenic. Review status: reviewed by expert panel (3 of 4 stars). 6 submissions from 6 submitters: Pathogenic (1). 5 of the submissions do not count toward it. Last evaluated 2025-01-30.

Conditions:
GUCY2D-related recessive retinopathy. Also called: Recessive GUCY2D retinopathy. Identifiers: MedGen CN305603, MONDO:0100453.
Night blindness, congenital stationary, type1i. Also called: NIGHT BLINDNESS, CONGENITAL STATIONARY, TYPE 1I. Identifiers: MedGen C5231408, MONDO:0032811, OMIM 618555.
Leber congenital amaurosis 1 (LCA1). Also called: AMAUROSIS CONGENITA OF LEBER I; RETINAL BLINDNESS, CONGENITAL; Congenital absence of the rods and cones; Leber's congenital tapetoretinal degeneration; Leber's congenital tapetoretinal dysplasia. Identifiers: Orphanet 65, MedGen C2931258, MONDO:0008764, OMIM 204000.
Cone-rod dystrophy 6 (CORD6). Also called: Cone dystrophy progressive; RETINAL CONE DYSTROPHY 2. Identifiers: Orphanet 1872, MedGen C1866293, MONDO:0011143, OMIM 601777.
Leber congenital amaurosis (LCA). Also called: Leber's amaurosis. Identifiers: Orphanet 65, MedGen C0339527, MeSH D057130, MONDO:0018998.

Allele frequency attached by ClinVar (database versions not stated): gnomAD exomes below 0.00001.

Submissions (6):

ClinGen Leber Congenital Amaurosis/early Onset Retinal Dystrophy Variant Curation Expert Panel, ClinGen
Classification: Pathogenic for GUCY2D-related recessive retinopathy. Last evaluated: 2025-01-30. Review status: reviewed by expert panel. Criteria: ClinGen LCAeoRD ACMG Specifications GUCY2D V1.0.0. Collection method: curation. Allele origin: germline. Inheritance: Autosomal recessive inheritance.
Comment: NM_000180.4(GUCY2D):c.1694T>C (p.Phe565Ser) is a missense variant predicted to replace phenylalanine with serine at position p.565. This variant is present in gnomAD v4.1.0 at a total allele frequency of 6.197e-7, with 1 allele / 1613704 total alleles, which is lower than the ClinGen LCA/eoRD VCEP PM2_Supporting threshold of <0.0004 (PM2_Supporting). This variant has been reported in a homozygous proband with early-onset severe retinal dystrophy in cis with the NM_000180.4(GUCY2D):c.2633_2636del (p.Gln878ArgfsTer17) variant, which has been classified as pathogenic by the ClinGen LCA/eoRD VCEP (VCEP member-provided data, BP2). This variant has also been reported in at least 2 unrelated probands with early-onset severe retinal dystrophy who were homozygous for the variant (1 pt, PMID: 8944027), and in at least 1 proband with early-onset severe retinal dystrophy who was compound heterozygous with the variant confirmed in trans with the NM_000180.4(GUCY2D):c.2302C>T (p.Arg768Trp) variant (1 pt, PMID: 16505055), which has been classified as pathogenic by the ClinGen LCA/eoRD VCEP (2 total points, PM3_Strong). Please note that one of these patients has been genotyped in a way that did not rule out the presence or absence of another GUCY2D variant in cis (PMID: 16505055). This proband exhibits a phenotype including diagnosis of Leber congenital amaurosis (0.5 pts) with onset at 3 months (1 pt), night blindness (0.5 pts), nystagmus (1 pt), and visual acuity limited to light perception (1 pt), which together are specific for GUCYD2-related recessive retinopathy (total 4 pts, PMID: 16505055, PP4). The variant has been reported to segregate with childhood-onset severe retinal dystrophy through the proband plus 3 similarly affected relatives in two different families, with the variant present in the homozygous state (PMID: 8944027, PP1_Strong). The computational predictor REVEL gives a score of 0.494, which is below the ClinGen LCA/eoRD VCEP threshold of ≥0.644 and does not predict a damaging effect on RETGC-1 protein function. The variant exhibited inability to be stimulated by GCAP1 (PMID: 9888789), reduced RD3 binding by co-immunoprecipitation (PMID: 25477517), and failure to localize to the plasma membrane along with RD3 and GCAP1 when exogenously expressed (PMID: 25477517), indicating that it triggers a severe defect in protein function (PS3_Supporting). In summary, this variant meets the criteria to be classified as pathogenic for GUCY2D-related recessive retinopathy based on the ACMG/AMP criteria applied, as specified by the ClinGen LCA/eoRD VCEP: PS3_Supporting, PM2_Supporting, PM3_Strong, PP1_Strong, PP4, and BP2. (VCEP specifications version 1.0.0; date of approval 01/22/2025).

Women's Health and Genetics/Laboratory Corporation of America, LabCorp
Classification: Pathogenic for Leber congenital amaurosis. Last evaluated: 2026-03-06. Review status: criteria provided, single submitter. Criteria: LabCorp Variant Classification Summary - May 2015. Collection method: clinical testing. Allele origin: germline. Not counted in ClinVar's aggregate classification.
Comment: Variant summary: GUCY2D c.1694T>C (p.Phe565Ser) results in a non-conservative amino acid change in the encoded protein sequence. Algorithms developed to predict the effect of missense changes on protein structure and function all suggest that this variant is likely to be disruptive. The variant allele was found at a frequency of 4e-06 in 251494 control chromosomes (gnomAD). c.1694T>C has been observed in multiple individuals affected with Leber congenital amaurosis (Perrault_1999). These data indicate that the variant is very likely to be associated with disease. At least one publication reports experimental evidence evaluating an impact on protein function and this variant reduced guanylate cyclase activity (Duda_1999). The following publications have been ascertained in the context of this evaluation (PMID: 9888789, 10527670, 25477517). ClinVar contains an entry for this variant (Variation ID: 9350). Based on the evidence outlined above, the variant was classified as pathogenic.

First Genomix Gene Laboratory, Genetic Diagnostics Department
Classification: Pathogenic for Cone-rod dystrophy 6; Leber congenital amaurosis 1; Night blindness, congenital stationary, type1i. Last evaluated: 2025-03-18. Review status: criteria provided, single submitter. Criteria: ACMG Guidelines, 2015. Collection method: clinical testing. Allele origin: germline. Inheritance: Autosomal recessive inheritance. Affected: no. Observed: 1 variant allele. Not counted in ClinVar's aggregate classification.

OMIM
Classification: Pathogenic for LEBER CONGENITAL AMAUROSIS 1. Last evaluated: 1999-01-12. Review status: no assertion criteria provided. Collection method: literature only. Allele origin: germline. Not counted in ClinVar's aggregate classification.

Laboratory of Genetics in Ophthalmology, Institut Imagine
Classification: Pathogenic for Leber congenital amaurosis 1. Review status: no assertion criteria provided. Collection method: research. Allele origin: inherited. Affected: yes. Observed: 8 variant alleles. Not counted in ClinVar's aggregate classification.

Retina International
No classification provided. Review status: no classification provided. Collection method: not provided. Allele origin: not provided. Not counted in ClinVar's aggregate classification.

Literature cited by the submitters: PubMed 25477517 (cited by Women's Health and Genetics/Laboratory Corporation of America, LabCorp); PubMed 9888789 (cited by Women's Health and Genetics/Laboratory Corporation of America, LabCorp and OMIM); PubMed 10527670 (cited by Women's Health and Genetics/Laboratory Corporation of America, LabCorp); PubMed 9683616 (cited by OMIM); PubMed 16505055 (cited by OMIM); PubMed 29061346 (cited by OMIM); PubMed 8944027 (cited by Laboratory of Genetics in Ophthalmology, Institut Imagine).